The following is an entry in ClinVar:

NM_020708.5(SLC12A5):c.724G>A (p.Ala242Thr)

Gene: SLC12A5 (solute carrier family 12 member 5; plus strand). Cytogenetic location: 20q13.12.
Variant type: single nucleotide variant.
Coding change: c.724G>A on transcript NM_020708.5 (MANE Select); coding-DNA position 724, G replaced by A.
Protein change: p.Ala242Thr; replaces alanine 242 with threonine.
Molecular consequence: missense variant.
Genome position (GRCh38, 1-based): chr20:46,040,484, G>A. VCF-style: chr20-46040484-G-A. GRCh37 (hg19) VCF-style: chr20-44669123-G-A.
Other names: c.793G>A, p.Ala265Thr (NM_001134771.2); short protein forms A242T, A265T.
Identifiers: ClinVar variation 3898529 (VCV003898529.7).

ClinVar aggregate classification (germline): Uncertain significance (1 of 4 stars; one submission).

gnomAD v4.1: 1 of 1,614,258 alleles (0.000062%); highest among the groups gnomAD compares: Non-Finnish European, 0.000085%; no homozygotes.

Submission:

CeGaT Center for Human Genetics Tuebingen
Classification: Uncertain significance. Last evaluated: 2025-04-01. Review status: criteria provided, single submitter. Criteria: CeGaT Center For Human Genetics Tuebingen Variant Classification Criteria Version 2. Collection method: clinical testing. Allele origin: germline. Affected: yes. Observed: 1 variant allele.
Comment: SLC12A5: PP2, PP3